The following is an entry in ClinVar:

ClinVar aggregate classification (germline): Uncertain significance (1 of 4 stars; one submission).

Conditions:
Cardiomyopathy (CMYO). Also called: Cardiomyopathies. Identifiers: Orphanet 167848, MedGen C0878544, MONDO:0004994, HP:0001638. Inheritance: Various modes of inheritance.

Submission:

Color Diagnostics, LLC DBA Color Health
Classification: Uncertain significance for Cardiomyopathy. Last evaluated: 2025-05-26. Review status: criteria provided, single submitter. Criteria: ACMG Guidelines, 2015. Collection method: clinical testing. Allele origin: germline.
Comment: This missense variant replaces glutamic acid with glutamine at codon 30 of the TNNT2 protein. Computational prediction suggests that this variant may not impact protein structure and function. To our knowledge, functional studies have not been reported for this variant. This variant has not been reported in individuals affected with TNNT2-related disorders in the literature. This variant has not been identified in the general population by the Genome Aggregation Database (gnomAD). The available evidence is insufficient to determine the role of this variant in disease conclusively. Therefore, this variant is classified as a Variant of Uncertain Significance.

NM_001276345.2(TNNT2):c.118G>C (p.Glu40Gln)

Gene: TNNT2 (troponin T2, cardiac type; minus strand). Cytogenetic location: 1q32.1.
Variant type: single nucleotide variant.
Coding change: c.118G>C on transcript NM_001276345.2 (MANE Select); coding-DNA position 118, G replaced by C.
Protein change: p.Glu40Gln; replaces glutamic acid 40 with glutamine.
Molecular consequence: missense variant.
Genome position (GRCh38, 1-based): chr1:201,368,207, C>G on the plus strand (G>C on the coding strand, the complement: TNNT2 is on the minus strand). VCF-style: chr1-201368207-C-G. GRCh37 (hg19) VCF-style: chr1-201337335-C-G.
Other names: c.118G>C, p.Glu40Gln (NM_000364.4, NM_001276346.2, NM_001406723.1); c.88G>C, p.Glu30Gln (NM_001001430.3, NM_001001431.3, NM_001276347.2 and 4 more transcripts); c.73G>C, p.Glu25Gln (NM_001001432.3, NM_001406728.1); short protein forms E25Q, E30Q, E40Q.
Identifiers: ClinVar variation 4758729 (VCV004758729.1).